The following is an entry in ClinVar:

ClinVar aggregate classification (germline): Pathogenic/Likely pathogenic. Review status: criteria provided, multiple submitters, no conflicts (2 of 4 stars). 6 submissions from 6 submitters: Pathogenic (1); Likely pathogenic (4). 1 of the submissions does not count toward it. Last evaluated 2026-01-22.

Conditions:
Finnish congenital nephrotic syndrome (NPHS1). Also called: NEPHROTIC SYNDROME, TYPE 1. Identifiers: Orphanet 839, MedGen C0403399, MONDO:0009732, OMIM 256300.
Kidney disorder. Also called: renal disease; Kidney disease; Kidney Diseases; renal disorder; Nephropathy. Identifiers: MedGen C0022658, MONDO:0005240, HP:0000112.

gnomAD v4.1: 46 of 1,613,776 alleles (0.0029%); highest among the groups gnomAD compares: Non-Finnish European, 0.0037%; no homozygotes.

Submissions (6):

Labcorp Genetics (formerly Invitae), Labcorp
Classification: Pathogenic. Last evaluated: 2026-01-22. Review status: criteria provided, single submitter. Criteria: Invitae Variant Classification Sherloc (09022015). Collection method: clinical testing. Allele origin: germline.
Comment: This sequence change creates a premature translational stop signal (p.Tyr1183*) in the NPHS1 gene. It is expected to result in an absent or disrupted protein product. Loss-of-function variants in NPHS1 are known to be pathogenic (PMID: 11317351, 11854170, 12039988). This variant is present in population databases (no rsID available, gnomAD no frequency). This variant has not been reported in the literature in individuals affected with NPHS1-related conditions. ClinVar contains an entry for this variant (Variation ID: 552390). For these reasons, this variant has been classified as Pathogenic.

Natera, Inc.
Classification: Likely pathogenic for Finnish congenital nephrotic syndrome. Last evaluated: 2025-09-08. Review status: criteria provided, single submitter. Criteria: Natera Variant Classification Schema (03/2026). Collection method: clinical testing. Allele origin: germline.
Comment: The c.3549C>A variant in NPHS1 is a nonsense variant predicted to introduce a stop codon at amino acid 1183. This variant is expected to result in nonsense mediated decay, truncation, or a dysfunctional protein product. This variant is rare in the general population with a frequency below the threshold expected for the associated phenotype(s). Given the available evidence, this variant is classified as Likely Pathogenic.

Fulgent Genetics
Classification: Likely pathogenic for Finnish congenital nephrotic syndrome. Last evaluated: 2024-01-22. Review status: criteria provided, single submitter. Criteria: ACMG Guidelines, 2015. Collection method: clinical testing. Allele origin: germline.

Women's Health and Genetics/Laboratory Corporation of America, LabCorp
Classification: Likely pathogenic for Finnish congenital nephrotic syndrome. Last evaluated: 2022-11-15. Review status: criteria provided, single submitter. Criteria: LabCorp Variant Classification Summary - May 2015. Collection method: clinical testing. Allele origin: germline.
Comment: Variant summary: NPHS1 c.3549C>A (p.Tyr1183X) results in a premature termination codon, predicted to cause a truncation of the encoded protein or absence of the protein due to nonsense mediated decay, which are commonly known mechanisms for disease. Truncations downstream of this position have been in affected individuals (HGMD). The variant was absent in 251472 control chromosomes (gnomAD). To our knowledge, no occurrence of c.3549C>A in individuals affected with Nephrotic Syndrome, Type 1 and no experimental evidence demonstrating its impact on protein function have been reported. Three clinical diagnostic laboratories have submitted clinical-significance assessments for this variant to ClinVar after 2014, and all of them classified the variant as pathogenic/likely pathogenic. Based on the evidence outlined above, the variant was classified as likely pathogenic.

Genome Diagnostics Laboratory, The Hospital for Sick Children
Classification: Likely pathogenic for Kidney disorder. Last evaluated: 2018-10-01. Review status: criteria provided, single submitter. Criteria: ACMG Guidelines, 2015. Collection method: clinical testing. Allele origin: germline.

Counsyl
Classification: Likely pathogenic for Finnish congenital nephrotic syndrome. Last evaluated: 2017-06-22. Review status: no assertion criteria provided. Collection method: clinical testing. Allele origin: unknown. Not counted in ClinVar's aggregate classification.

Literature cited by the submitters: PubMed 11317351 (cited by Labcorp Genetics (formerly Invitae), Labcorp); PubMed 11854170 (cited by Labcorp Genetics (formerly Invitae), Labcorp); PubMed 12039988 (cited by Labcorp Genetics (formerly Invitae), Labcorp); PubMed 11562357 (cited by Counsyl).

NM_004646.4(NPHS1):c.3549C>A (p.Tyr1183Ter)

Gene: NPHS1 (NPHS1 adhesion molecule, nephrin; minus strand). Cytogenetic location: 19q13.12.
Variant type: single nucleotide variant.
Coding change: c.3549C>A on transcript NM_004646.4 (MANE Select); coding-DNA position 3549, C replaced by A.
Protein change: p.Tyr1183Ter; replaces tyrosine 1183 with a stop codon.
Molecular consequence: nonsense.
Genome position (GRCh38, 1-based): chr19:35,830,889, G>T on the plus strand (C>A on the coding strand, the complement: NPHS1 is on the minus strand). VCF-style: chr19-35830889-G-T. GRCh37 (hg19) VCF-style: chr19-36321791-G-T.
Other names: short protein forms Y1183*.
Identifiers: ClinVar variation 552390 (VCV000552390.19), dbSNP rs767887213, ClinGen allele CA307828969.
Genomic context (GRCh38, chr19:35,830,889, plus strand): 5'-TGCAAAGCTTCTCACCATCTGCACTTCATCGTAGAGGGGTCCCCAGGCTCCAGACGGGGG[G>T]TACGTTCTTTCTACCTCATCATACAAGTGCCCAGGGAAGGCCATATCCTCATCTTCACCT-3'